The following is an entry in ClinVar:

ClinVar aggregate classification (germline): Likely benign. Review status: criteria provided, multiple submitters, no conflicts (2 of 4 stars). 3 submissions from 3 submitters: Likely benign (3). Last evaluated 2026-07-01.

Conditions:
Emery-Dreifuss muscular dystrophy 5, autosomal dominant (EDMD5). Also called: EMERY-DREIFUSS MUSCULAR DYSTROPHY 5. Identifiers: Orphanet 261, MedGen C2751805, MONDO:0013072, OMIM 612999.

Allele frequency attached by ClinVar (database versions not stated): gnomAD 0.00007 and 0.00019; ESP Exome Variant Server 0.00015; TOPMed 0.00027.
gnomAD v4.1: 127 of 1,614,144 alleles (0.0079%); highest among the groups gnomAD compares: Non-Finnish European, 0.0088%; 1 homozygote.

Submissions (3):

CeGaT Center for Human Genetics Tuebingen
Classification: Likely benign. Last evaluated: 2026-07-01. Review status: criteria provided, single submitter. Criteria: CeGaT Center For Human Genetics Tuebingen Variant Classification Criteria Version 2. Collection method: clinical testing. Allele origin: germline. Affected: yes. Observed: 1 variant allele.
Comment: SYNE2: BP4, BP7

Labcorp Genetics (formerly Invitae), Labcorp
Classification: Likely benign for Emery-Dreifuss muscular dystrophy 5, autosomal dominant. Last evaluated: 2025-07-30. Review status: criteria provided, single submitter. Criteria: Invitae Variant Classification Sherloc (09022015). Collection method: clinical testing. Allele origin: germline.

Blueprint Genetics
Classification: Likely benign. Last evaluated: 2024-03-02. Review status: criteria provided, single submitter. Criteria: ACMG Guidelines, 2015. Collection method: clinical testing. Allele origin: germline.

NM_182914.3(SYNE2):c.16875T>G (p.Pro5625=)

Gene: SYNE2 (spectrin repeat containing nuclear envelope protein 2; plus strand). Cytogenetic location: 14q23.2.
Variant type: single nucleotide variant.
Coding change: c.16875T>G on transcript NM_182914.3 (MANE Select); coding-DNA position 16875, T replaced by G.
Protein change: p.Pro5625=; no amino-acid change (proline 5625 retained).
Molecular consequence: synonymous variant.
Genome position (GRCh38, 1-based): chr14:64,167,609, T>G. VCF-style: chr14-64167609-T-G. GRCh37 (hg19) VCF-style: chr14-64634327-T-G.
Other names: c.16875T>G, p.Pro5625= (NM_015180.6).
Identifiers: ClinVar variation 767559 (VCV000767559.10), dbSNP rs372506361, ClinGen allele CA7223520.